The following is an entry in ClinVar:

NM_017819.4(TRMT10C):c.97_101del (p.Leu33fs)

Gene: TRMT10C (tRNA methyltransferase 10C, mitochondrial RNase P subunit; plus strand). Cytogenetic location: 3q12.3.
Variant type: Deletion.
Coding change: c.97_101del on transcript NM_017819.4 (MANE Select); coding-DNA positions 97 to 101, 5 bases deleted (TTAAC; older notation c.97_101delTTAAC).
Protein change: p.Leu33fs; shifts the reading frame from leucine 33.
Molecular consequence: frameshift variant.
Genome position (GRCh38, 1-based): chr3:101,564,878-101,564,882, TTAAC deleted; deleting any 5 consecutive bases within chr3:101,564,874-101,564,882 gives the same sequence; the c. name uses the placement nearest the transcript's 3' end. VCF-style (leftmost placement, unchanged base first): chr3-101564873-ATAACT-A. GRCh37 (hg19) VCF-style: chr3-101283717-ATAACT-A.
Other names: short protein forms L33fs.
Identifiers: ClinVar variation 4884081 (VCV004884081.2).

ClinVar aggregate classification (germline): Uncertain significance (1 of 4 stars; one submission).

Submission:

Dasa
Classification: Uncertain significance. Last evaluated: 2026-03-29. Review status: criteria provided, single submitter. Criteria: DASA Assertion Criteria. Collection method: clinical testing. Allele origin: germline.
Comment: NM_017819.4(TRMT10C):c.97_101del (p.Leu33Asnfs*17) is a frameshift variant in TRMT10C predicted to alter the reading frame and introduce a premature termination codon. This variant is rare in population databases. The currently available literature and clinical evidence are not sufficient to establish a definitive association between this variant and the reported condition. Therefore, this variant is classified as a variant of uncertain significance.